The following is an entry in ClinVar:

ClinVar aggregate classification (germline): Pathogenic (1 of 4 stars; one submission).

Allele frequency attached by ClinVar (database versions not stated): gnomAD exomes 0.00001.
gnomAD v4.1: 8 of 1,613,906 alleles (0.0005%); highest among the groups gnomAD compares: Non-Finnish European, 0.00059%; no homozygotes.

Submission:

CeGaT Center for Human Genetics Tuebingen
Classification: Pathogenic. Last evaluated: 2024-01-01. Review status: criteria provided, single submitter. Criteria: CeGaT Center For Human Genetics Tuebingen Variant Classification Criteria Version 2. Collection method: clinical testing. Allele origin: germline. Affected: yes. Observed: 1 variant allele.
Comment: DNMT3A: PVS1, PM2

NM_022552.5(DNMT3A):c.1802G>A (p.Trp601Ter)

Gene: DNMT3A (DNA methyltransferase 3 alpha; minus strand). Cytogenetic location: 2p23.3.
Variant type: single nucleotide variant.
Coding change: c.1802G>A on transcript NM_022552.5 (MANE Select); coding-DNA position 1802, G replaced by A.
Protein change: p.Trp601Ter; replaces tryptophan 601 with a stop codon.
Molecular consequence: nonsense. On other transcripts: non-coding transcript variant (1).
Genome position (GRCh38, 1-based): chr2:25,244,204, C>T on the plus strand (G>A on the coding strand, the complement: DNMT3A is on the minus strand). VCF-style: chr2-25244204-C-T. GRCh37 (hg19) VCF-style: chr2-25467073-C-T.
Other names: c.1346G>A, p.Trp449Ter (NM_001320893.1); c.1133G>A, p.Trp378Ter (NM_001375819.1); c.1235G>A, p.Trp412Ter (NM_153759.3); c.1802G>A, p.Trp601Ter (NM_175629.2); short protein forms W378*, W412*, W449*, W601*.
Identifiers: ClinVar variation 3026200 (VCV003026200.22), dbSNP rs941325374, ClinGen allele CA43703281.